The following is an entry in ClinVar:

ClinVar aggregate classification (germline): Benign/Likely benign. Review status: criteria provided, multiple submitters, no conflicts (2 of 4 stars). 8 submissions from 8 submitters: Benign (7); Likely benign (1). Last evaluated 2026-03-31.

Conditions:
Cardiovascular phenotype. Identifiers: MedGen CN230736.
Ehlers-Danlos syndrome (EDS). Identifiers: Orphanet 98249, MedGen C0013720, MONDO:0020066.
Brittle cornea syndrome 1 (BCS1). Also called: Corneal fragility keratoglobus, blue sclerae AND joint hypermobility; DYSGENESIS MESODERMALIS CORNEAE ET SCLERAE; CORNEAL FRAGILITY, KERATOGLOBUS, BLUE SCLERAE, JOINT HYPEREXTENSIBILITY; EDS6B; FRAGILITAS OCULI WITH JOINT HYPEREXTENSIBILITY. Identifiers: Orphanet 90354, MedGen C0268344, MONDO:0024543, OMIM 229200.

Allele frequency attached by ClinVar (database versions not stated): gnomAD exomes 0.00407; ExAC 0.00689; gnomAD 0.01774; ESP Exome Variant Server 0.01820; TOPMed 0.01868; 1000 Genomes Project 0.02157; 1000 Genomes Project 30x 0.02171.
gnomAD v4.1: 5,498 of 1,542,416 alleles (0.36%); highest among the groups gnomAD compares: African/African-American, 6.3%; 165 homozygotes.

Submissions (8):

Women's Health and Genetics/Laboratory Corporation of America, LabCorp
Classification: Benign. Last evaluated: 2026-03-31. Review status: criteria provided, single submitter. Criteria: LabCorp Variant Classification Summary - May 2015. Collection method: clinical testing. Allele origin: germline.

Labcorp Genetics (formerly Invitae), Labcorp
Classification: Benign. Last evaluated: 2026-02-04. Review status: criteria provided, single submitter. Criteria: Invitae Variant Classification Sherloc (09022015). Collection method: clinical testing. Allele origin: germline.

Mayo Clinic Laboratories, Mayo Clinic
Classification: Benign. Last evaluated: 2023-01-23. Review status: criteria provided, single submitter. Criteria: ACMG Guidelines, 2015. Collection method: clinical testing. Allele origin: germline. Observed: 18 variant alleles.

Genome Diagnostics Laboratory, The Hospital for Sick Children
Classification: Benign for Ehlers-Danlos syndrome. Last evaluated: 2022-06-13. Review status: criteria provided, single submitter. Criteria: ACMG Guidelines, 2015. Collection method: clinical testing. Allele origin: germline.

Genome-Nilou Lab
Classification: Benign for Brittle cornea syndrome 1. Last evaluated: 2021-12-05. Review status: criteria provided, single submitter. Criteria: ACMG Guidelines, 2015. Collection method: clinical testing. Allele origin: germline. Affected: no.

Ambry Genetics
Classification: Benign for Cardiovascular phenotype. Last evaluated: 2019-04-23. Review status: criteria provided, single submitter. Criteria: Ambry Variant Classification Scheme 2023. Collection method: clinical testing. Allele origin: germline.

GeneDx
Classification: Benign. Last evaluated: 2017-02-27. Review status: criteria provided, single submitter. Criteria: GeneDx Variant Classification (06012015). Collection method: clinical testing. Allele origin: germline. Affected: yes.
Comment: This variant is considered likely benign or benign based on one or more of the following criteria: it is a conservative change, it occurs at a poorly conserved position in the protein, it is predicted to be benign by multiple in silico algorithms, and/or has population frequency not consistent with disease.

Breakthrough Genomics
Classification: Likely benign. Review status: criteria provided, single submitter. Criteria: ACMG Guidelines, 2015. Collection method: not provided. Allele origin: germline. Inheritance: Autosomal recessive inheritance. Affected: yes.

NM_001367624.2(ZNF469):c.5697C>T (p.Ser1899=)

Gene: ZNF469 (zinc finger protein 469; plus strand). Cytogenetic location: 16q24.2.
Variant type: single nucleotide variant.
Coding change: c.5697C>T on transcript NM_001367624.2 (MANE Select); coding-DNA position 5697, C replaced by T.
Protein change: p.Ser1899=; no amino-acid change (serine 1899 retained).
Molecular consequence: synonymous variant.
Genome position (GRCh38, 1-based): chr16:88,433,167, C>T. VCF-style: chr16-88433167-C-T. GRCh37 (hg19) VCF-style: chr16-88499575-C-T.
Other names: NM_001127464.1:c.5613C>T; NM_001127464.2:c.5613C>T; p.Ser1899=.
Identifiers: ClinVar variation 320944 (VCV000320944.21), dbSNP rs111986360, ClinGen allele CA8225099.